The following is an entry in ClinVar:

NM_000278.5(PAX2):c.115C>T (p.Gln39Ter)

Gene: PAX2 (paired box 2; plus strand). Cytogenetic location: 10q24.31.
Variant type: single nucleotide variant.
Coding change: c.115C>T on transcript NM_000278.5 (MANE Select); coding-DNA position 115, C replaced by T.
Protein change: p.Gln39Ter; replaces glutamine 39 with a stop codon.
Molecular consequence: nonsense.
Genome position (GRCh38, 1-based): chr10:100,749,817, C>T. VCF-style: chr10-100749817-C-T. GRCh37 (hg19) VCF-style: chr10-102509574-C-T.
Other names: c.208C>T, p.Gln70Ter (NM_001304569.2); c.115C>T, p.Gln39Ter (NM_003987.5, NM_003988.5, NM_003989.5 and 1 more transcripts); short protein forms Q39*, Q70*.
Identifiers: ClinVar variation 2633496 (VCV002633496.1), dbSNP rs2492893048, ClinGen allele CA378257557.
Genomic context (GRCh38, chr10:100,749,817, plus strand): 5'-GGTGTGAACCAGCTCGGGGGGGTGTTTGTGAACGGCCGGCCCCTACCCGACGTGGTGAGG[C>T]AGCGCATCGTGGAGCTGGCCCACCAGGGTGTGCGGCCCTGTGACATCTCCCGGCAGCTGC-3'

ClinVar aggregate classification (germline): Likely pathogenic (1 of 4 stars; one submission).

Conditions:
PAX2-Related Disorder. Also called: PAX2-related disorders. Identifiers: MedGen CN381309.

Submission:

PreventionGenetics, part of Exact Sciences
Classification: Likely pathogenic for PAX2-related condition. Last evaluated: 2023-03-06. Review status: criteria provided, single submitter. Criteria: ACMG Guidelines, 2015. Collection method: clinical testing. Allele origin: germline.
Comment: The PAX2 c.115C>T variant is predicted to result in premature protein termination (p.Gln39*). To our knowledge, this variant has not been reported in the literature or in a large population database, indicating this variant is rare. Nonsense variants in PAX2 are expected to be pathogenic. This variant is interpreted as likely pathogenic.